The following is an entry in ClinVar:

ClinVar aggregate classification (germline): Uncertain significance (1 of 4 stars; one submission).

Conditions:
Glycogen storage disease type III (GSD3). Also called: Cori disease; FORBES DISEASE. Identifiers: Orphanet 366, MedGen C0017922, MONDO:0009291, OMIM 232400.

Allele frequency attached by ClinVar (database versions not stated): gnomAD exomes below 0.00001; TOPMed 0.00001.
gnomAD v4.1: 1 of 1,614,092 alleles (0.000062%); highest among the groups gnomAD compares: Non-Finnish European, 0.000085%; no homozygotes.

Submission:

Labcorp Genetics (formerly Invitae), Labcorp
Classification: Uncertain significance for Glycogen storage disease type III. Last evaluated: 2024-06-24. Review status: criteria provided, single submitter. Criteria: Invitae Variant Classification Sherloc (09022015). Collection method: clinical testing. Allele origin: germline.
Comment: This sequence change replaces lysine, which is basic and polar, with asparagine, which is neutral and polar, at codon 265 of the AGL protein (p.Lys265Asn). This variant is present in population databases (no rsID available, gnomAD 0.0009%). This variant has not been reported in the literature in individuals affected with AGL-related conditions. ClinVar contains an entry for this variant (Variation ID: 1059876). An algorithm developed to predict the effect of missense changes on protein structure and function (PolyPhen-2) suggests that this variant¬†is likely to be tolerated. In summary, the available evidence is currently insufficient to determine the role of this variant in disease. Therefore, it has been classified as a Variant of Uncertain Significance.

NM_000642.3(AGL):c.795A>C (p.Lys265Asn)

Gene: AGL (amylo-alpha-1,6-glucosidase and 4-alpha-glucanotransferase; plus strand). Cytogenetic location: 1p21.2.
Variant type: single nucleotide variant.
Coding change: c.795A>C on transcript NM_000642.3 (MANE Select); coding-DNA position 795, A replaced by C.
Protein change: p.Lys265Asn; replaces lysine 265 with asparagine.
Molecular consequence: missense variant.
Genome position (GRCh38, 1-based): chr1:99,870,530, A>C. VCF-style: chr1-99870530-A-C. GRCh37 (hg19) VCF-style: chr1-100336086-A-C.
Other names: c.795A>C, p.Lys265Asn (NM_000028.3, NM_000643.3, NM_000644.3 and 3 more transcripts); c.747A>C, p.Lys249Asn (NM_000646.3); c.591A>C, p.Lys197Asn (NM_001425328.1, NM_001425329.1); c.417A>C, p.Lys139Asn (NM_001425332.1); short protein forms K249N, K265N, K139N, K197N.
Identifiers: ClinVar variation 1059876 (VCV001059876.7), dbSNP rs1441216143, ClinGen allele CA341340090.